The following is an entry in ClinVar:

NM_000181.4(GUSB):c.320del (p.Leu107fs)

Gene: GUSB (glucuronidase beta; minus strand). Cytogenetic location: 7q11.21.
Variant type: Deletion.
Coding change: c.320del on transcript NM_000181.4 (MANE Select); coding-DNA position 320, one base deleted (T; older notation c.320delT).
Protein change: p.Leu107fs; shifts the reading frame from leucine 107.
Molecular consequence: frameshift variant. On other transcripts: 5 prime UTR variant (2), non-coding transcript variant (1).
Genome position (GRCh38, 1-based): chr7:65,980,300, A deleted on the plus strand (T on the coding strand, the reverse complement: GUSB is on the minus strand). VCF-style (leftmost placement, unchanged base first): chr7-65980299-CA-C. GRCh37 (hg19) VCF-style: chr7-65445286-CA-C.
Other names: c.320del, p.Leu107fs (NM_001284290.2); c.-66del (NM_001293104.2); c.-10del (NM_001293105.2); short protein forms L107fs.
Identifiers: ClinVar variation 2797791 (VCV002797791.3), dbSNP rs2484846029, ClinGen allele CA2739266453.
Genomic context (GRCh38, chr7:65,980,299, plus strand): 5'-ATGGGCACTGCCAATCCTCAGCACCACTCTTGTGCGCAGGTCCTGGGTCCATCGCTCCGG[CA>C]GGATCACCTCCCGTTCGTACCACACCCAGCCGACAAAATGCCGCAGACGCCAGTCCTGGC-3'

ClinVar aggregate classification (germline): Pathogenic (1 of 4 stars; one submission).

Conditions:
Mucopolysaccharidosis type 7 (MPS7). Also called: BETA-GLUCURONIDASE DEFICIENCY; SLY SYNDROME; GUSB DEFICIENCY; MPS VII. Identifiers: Orphanet 584, MedGen C0085132, MONDO:0009662, OMIM 253220.

Submission:

Labcorp Genetics (formerly Invitae), Labcorp
Classification: Pathogenic for Mucopolysaccharidosis type 7. Last evaluated: 2023-06-04. Review status: criteria provided, single submitter. Criteria: Invitae Variant Classification Sherloc (09022015). Collection method: clinical testing. Allele origin: germline.
Comment: For these reasons, this variant has been classified as Pathogenic. This variant has not been reported in the literature in individuals affected with GUSB-related conditions. This variant is not present in population databases (gnomAD no frequency). This sequence change creates a premature translational stop signal (p.Leu107Argfs*15) in the GUSB gene. It is expected to result in an absent or disrupted protein product. Loss-of-function variants in GUSB are known to be pathogenic (PMID: 19224584).

Literature cited by the submitters: PubMed 19224584.